The following is an entry in ClinVar:

ClinVar aggregate classification (germline): Conflicting classifications of pathogenicity. Review status: criteria provided, conflicting classifications (1 of 4 stars). 2 submissions from 2 submitters: Uncertain significance (1); Likely benign (1). Last evaluated 2025-04-17.

Conditions:
Cardiovascular phenotype. Identifiers: MedGen CN230736.
Long QT syndrome (LQTS). Identifiers: MedGen C0023976, MeSH D008133, MONDO:0002442. Disease mechanism: loss of function. Inheritance: Various modes of inheritance.

Allele frequency attached by ClinVar (database versions not stated): gnomAD exomes below 0.00001; gnomAD 0.00001; TOPMed 0.00003.
gnomAD v4.1: 3 of 1,577,708 alleles (0.00019%); highest among the groups gnomAD compares: African/African-American, 0.0027%; no homozygotes.

Submissions (2):

Labcorp Genetics (formerly Invitae), Labcorp
Classification: Likely benign for Long QT syndrome. Last evaluated: 2025-04-17. Review status: criteria provided, single submitter. Criteria: Invitae Variant Classification Sherloc (09022015). Collection method: clinical testing. Allele origin: germline.

Ambry Genetics
Classification: Uncertain significance for Cardiovascular phenotype. Last evaluated: 2023-12-28. Review status: criteria provided, single submitter. Criteria: Ambry Variant Classification Scheme 2023. Collection method: clinical testing. Allele origin: germline.
Comment: The c.307-5T>G intronic variant results from a T to G substitution 5 nucleotides upstream from coding exon 3 in the AKAP9 gene. This nucleotide position is highly conserved in available vertebrate species. In silico splice site analysis predicts that this alteration will not have any significant effect on splicing. The evidence for this gene-disease relationship is limited; therefore, the clinical significance of this alteration is unclear.

NM_005751.5(AKAP9):c.307-5T>G

Gene: AKAP9 (A-kinase anchoring protein 9; plus strand). Cytogenetic location: 7q21.2.
Variant type: single nucleotide variant.
Coding change: c.307-5T>G on transcript NM_005751.5 (MANE Select); 5 bases into the intron before coding-DNA position 307, T replaced by G.
Molecular consequence: intron variant.
Genome position (GRCh38, 1-based): chr7:91,980,284, T>G. VCF-style: chr7-91980284-T-G. GRCh37 (hg19) VCF-style: chr7-91609598-T-G.
Other names: c.307-5T>G (NM_147185.3).
Identifiers: ClinVar variation 1727311 (VCV001727311.7), dbSNP rs1238314038, ClinGen allele CA843811378.